The following is an entry in ClinVar:

NM_001283009.2(RTEL1):c.184C>T (p.His62Tyr)

Genes: RTEL1 (regulator of telomere elongation helicase 1; plus strand), RTEL1-TNFRSF6B (RTEL1-TNFRSF6B readthrough (NMD candidate); plus strand). Cytogenetic location: 20q13.33.
Variant type: single nucleotide variant.
Coding change: c.184C>T on transcript NM_001283009.2 (MANE Select); coding-DNA position 184, C replaced by T.
Protein change: p.His62Tyr; replaces histidine 62 with tyrosine.
Molecular consequence: missense variant. On other transcripts: non-coding transcript variant (1), 5 prime UTR variant (1).
Genome position (GRCh38, 1-based): chr20:63,661,379, C>T. VCF-style: chr20-63661379-C-T. GRCh37 (hg19) VCF-style: chr20-62292732-C-T.
Other names: c.-486C>T (NM_001283010.1); c.184C>T, p.His62Tyr (NM_016434.4, NM_032957.5); short protein forms H62Y.
Identifiers: ClinVar variation 3436039 (VCV003436039.1).

ClinVar aggregate classification (germline): Uncertain significance (1 of 4 stars; one submission).

Conditions:
Inborn genetic diseases. Identifiers: MedGen C0950123, MeSH D030342.

Submission:

Ambry Genetics
Classification: Uncertain significance for Inborn genetic diseases. Last evaluated: 2024-12-08. Review status: criteria provided, single submitter. Criteria: Ambry Variant Classification Scheme 2023. Collection method: clinical testing. Allele origin: germline.
Comment: The p.H62Y variant (also known as c.184C>T), located in coding exon 2 of the RTEL1 gene, results from a C to T substitution at nucleotide position 184. The histidine at codon 62 is replaced by tyrosine, an amino acid with similar properties. This amino acid position is conserved. In addition, this alteration is predicted to be tolerated by in silico analysis. Based on the available evidence, the clinical significance of this variant remains unclear.